The following is an entry in ClinVar:

NM_001321120.2(TBX4):c.1005C>T (p.His335=)

Gene: TBX4 (T-box transcription factor 4; plus strand). Cytogenetic location: 17q23.2.
Variant type: single nucleotide variant.
Coding change: c.1005C>T on transcript NM_001321120.2 (MANE Select); coding-DNA position 1005, C replaced by T.
Protein change: p.His335=; no amino-acid change (histidine 335 retained).
Molecular consequence: synonymous variant.
Genome position (GRCh38, 1-based): chr17:61,480,303, C>T. VCF-style: chr17-61480303-C-T. GRCh37 (hg19) VCF-style: chr17-59557664-C-T.
Other names: c.1005C>T, p.His335= (LRG_1206t1, NM_018488.3).
Identifiers: ClinVar variation 324257 (VCV000324257.30), dbSNP rs577197197, ClinGen allele CA8689984.
Genomic context (GRCh38, chr17:61,480,303, plus strand): 5'-GCCGCAGGACCTGCCCCTCAGCACCTTTCCCACCCAGAGGGACTCAAGCCTCTTCTATCA[C>T]TGCCTGAAAAGACGAGGTAGGGCTCTCCTGGTCTAGAAGCCCTAGAGGGTAAGAGGAGCG-3'
Protein context (NP_001308049.1, residues 325-345): PTQRDSSLFY[His335=]CLKRRADGTR

ClinVar aggregate classification (germline): Benign/Likely benign. Review status: criteria provided, multiple submitters, no conflicts (2 of 4 stars). 3 submissions from 3 submitters: Benign (1); Likely benign (2). Last evaluated 2024-11-05.

Conditions:
Coxopodopatellar syndrome. Also called: Congenital coxa vara, patella aplasia and tarsal synostosis; SCOTT-TAOR SYNDROME; Small patella syndrome; ISCHIOCOXOPODOPATELLAR SYNDROME; PATELLA APLASIA, COXA VARA, AND TARSAL SYNOSTOSIS; ISCHIOCOXOPODOPATELLAR SYNDROME WITH OR WITHOUT PULMONARY ARTERIAL HYPERTENSION. Identifiers: Orphanet 1509, MedGen C1840061, MONDO:0007841, OMIM 147891.

Allele frequency attached by ClinVar (database versions not stated): gnomAD 0.00001 and 0.00011; TOPMed 0.00001; gnomAD exomes 0.00021 and 0.00037; ExAC 0.00047; 1000 Genomes Project 30x 0.00109; 1000 Genomes Project 0.00120.
gnomAD v4.1: 326 of 1,613,768 alleles (0.02%); highest among the groups gnomAD compares: South Asian, 0.32%; 3 homozygotes.

Submissions (3):

Blueprint Genetics
Classification: Likely benign. Last evaluated: 2024-11-05. Review status: criteria provided, single submitter. Criteria: ACMG Guidelines, 2015. Collection method: clinical testing. Allele origin: germline.

CeGaT Center for Human Genetics Tuebingen
Classification: Likely benign. Last evaluated: 2023-10-01. Review status: criteria provided, single submitter. Criteria: CeGaT Center For Human Genetics Tuebingen Variant Classification Criteria Version 2. Collection method: clinical testing. Allele origin: germline. Affected: yes. Observed: 1 variant allele.
Comment: TBX4: BP4, BP7

Illumina Laboratory Services, Illumina
Classification: Benign for Coxopodopatellar syndrome. Last evaluated: 2018-01-12. Review status: criteria provided, single submitter. Criteria: ICSL Variant Classification Criteria 13 December 2019. Collection method: clinical testing. Allele origin: germline.
Comment: This variant was observed in the ICSL laboratory as part of a predisposition screen in an ostensibly healthy population. It had not been previously curated by ICSL or reported in the Human Gene Mutation Database (HGMD: prior to June 1st, 2018), and was therefore a candidate for classification through an automated scoring system. Utilizing variant allele frequency, disease prevalence and penetrance estimates, and inheritance mode, an automated score was calculated to assess if this variant is too frequent to cause the disease. Based on the score and internal cut-off values, a variant classified as benign is not then subjected to further curation. The score for this variant resulted in a classification of benign for this disease.